The following is an entry in ClinVar:

NC_000001.10:g.(?_237205483)_(237205870_237433796)dup

Gene: RYR2 (ryanodine receptor 2; plus strand). Cytogenetic location: 1q43.
Variant type: Duplication.
Identifiers: ClinVar variation 3335979 (VCV003335979.1).

ClinVar aggregate classification (germline): Uncertain significance (1 of 4 stars; one submission).

Submission:

Women's Health and Genetics/Laboratory Corporation of America, LabCorp
Classification: Uncertain significance. Last evaluated: 2024-05-13. Review status: criteria provided, single submitter. Criteria: LabCorp Variant Classification Summary - May 2015. Collection method: clinical testing. Allele origin: germline.
Comment: Variant summary: The variant involves the duplication of exon 1 in the RYR2 gene. A presumed nomenclature of c.(?_-339)_(48+1_49-1)dup has been designated for the purposes of this classification. The exact breakpoint at the 5' end of this variant is unknown, therefore this duplication may extend upstream of the annotated region of this gene. It is predicted to duplicate a segment including the initiation codon, therefore its impact on the encoded protein is unknown. The variant was absent in 123614 control chromosomes in the gnomAD database (Structural Variants v4.0 dataset). The available data on variant occurrences in the general population are insufficient to allow any conclusion about variant significance. To our knowledge, no occurrence of c.(?_-339)_(48+1_49-1)dup in individuals affected with Catecholaminergic Polymorphic Ventricular Tachycardia and no experimental evidence demonstrating its impact on protein function have been reported. ClinVar contains an entry for this variant (Variation ID: 2423534). Based on the evidence outlined above, the variant was classified as uncertain significance.